The following is an entry in ClinVar:

NM_006767.4(LZTR1):c.1861_1862delinsCT (p.Ser621Leu)

Gene: LZTR1 (leucine zipper like post translational regulator 1; plus strand). Cytogenetic location: 22q11.21.
Variant type: Indel.
Coding change: c.1861_1862delinsCT on transcript NM_006767.4 (MANE Select); coding-DNA positions 1861 to 1862, TC replaced by CT.
Protein change: p.Ser621Leu; replaces serine 621 with leucine.
Molecular consequence: missense variant.
Genome position (GRCh38, 1-based): chr22:20,994,945-20,994,946, TC replaced by CT. VCF-style: chr22-20994945-TC-CT. GRCh37 (hg19) VCF-style: chr22-21349234-TC-CT.
Other names: c.1861_1862delTCinsCT (NM_006767.3); short protein forms S621L.
Identifiers: ClinVar variation 3703974 (VCV003703974.3).

ClinVar aggregate classification (germline): Uncertain significance. Review status: criteria provided, multiple submitters, no conflicts (2 of 4 stars). 2 submissions from 2 submitters: Uncertain significance (2). Last evaluated 2025-09-19.

Conditions:
Cardiovascular phenotype. Identifiers: MedGen CN230736.
Hereditary cancer-predisposing syndrome. Also called: Hereditary neoplastic syndrome; Tumor predisposition; Hereditary Cancer Syndrome; Neoplastic Syndromes, Hereditary. Identifiers: Orphanet 140162, MedGen C0027672, MeSH D009386, MONDO:0015356.

Submissions (2):

Ambry Genetics
Classification: Uncertain significance for Cardiovascular phenotype; Hereditary cancer-predisposing syndrome. Last evaluated: 2025-09-19. Review status: criteria provided, single submitter. Criteria: Ambry Variant Classification Scheme 2023. Collection method: clinical testing. Allele origin: germline.
Comment: The c.1861_1862delTCinsCT variant (also known as p.S621L), located in coding exon 16 of the LZTR1 gene, results from an in-frame deletion of TC and insertion of CT at nucleotide positions 1861 to 1862. This results in the substitution of the serine residue for a leucine residue at codon 621, an amino acid with dissimilar properties. This amino acid position is well conserved in available vertebrate species. In addition, the in silico prediction for this variant is inconclusive (Choi Y et al. PLoS ONE. 2012; 7(10):e46688). Based on the available evidence, the clinical significance of this variant remains unclear.

Labcorp Genetics (formerly Invitae), Labcorp
Classification: Uncertain significance. Last evaluated: 2024-05-14. Review status: criteria provided, single submitter. Criteria: Invitae Variant Classification Sherloc (09022015). Collection method: clinical testing. Allele origin: germline.
Comment: This sequence change replaces serine, which is neutral and polar, with leucine, which is neutral and non-polar, at codon 621 of the LZTR1 protein (p.Ser621Leu). Information on the frequency of this variant in the gnomAD database is not available, as this variant may be reported differently in the database. This variant has not been reported in the literature in individuals affected with LZTR1-related conditions. An algorithm developed to predict the effect of missense changes on protein structure and function (PolyPhen-2) suggests that this variant is likely to be tolerated. In summary, the available evidence is currently insufficient to determine the role of this variant in disease. Therefore, it has been classified as a Variant of Uncertain Significance.